The following is an entry in ClinVar:

NM_016169.4(SUFU):c.479A>G (p.His160Arg)

Gene: SUFU (SUFU negative regulator of hedgehog signaling; plus strand). Cytogenetic location: 10q24.32.
Variant type: single nucleotide variant.
Coding change: c.479A>G on transcript NM_016169.4 (MANE Select); coding-DNA position 479, A replaced by G.
Protein change: p.His160Arg; replaces histidine 160 with arginine.
Molecular consequence: missense variant.
Genome position (GRCh38, 1-based): chr10:102,592,606, A>G. VCF-style: chr10-102592606-A-G. GRCh37 (hg19) VCF-style: chr10-104352363-A-G.
Other names: c.479A>G, p.His160Arg (NM_001178133.2); short protein forms H160R.
Identifiers: ClinVar variation 2087195 (VCV002087195.5), dbSNP rs2545080920, ClinGen allele CA377908145.

ClinVar aggregate classification (germline): Uncertain significance. Review status: criteria provided, multiple submitters, no conflicts (2 of 4 stars). 2 submissions from 2 submitters: Uncertain significance (2). Last evaluated 2024-10-19.

Conditions:
Medulloblastoma (MDB). Also called: Medulloblastoma, somatic; MEDULLOBLASTOMA PREDISPOSITION SYNDROME. Identifiers: Orphanet 616, MedGen C0025149, MeSH D008527, MONDO:0007959, OMIM 155255, HP:0002885.
Gorlin syndrome. Also called: Basal cell nevus syndrome; Nevoid Basal Cell Carcinoma Syndrome. Identifiers: Orphanet 377, MedGen C0004779, MONDO:0007187.
Hereditary cancer-predisposing syndrome. Also called: Tumor predisposition; Neoplastic Syndromes, Hereditary; Hereditary neoplastic syndrome; Hereditary Cancer Syndrome. Identifiers: Orphanet 140162, MedGen C0027672, MeSH D009386, MONDO:0015356.

Submissions (2):

Ambry Genetics
Classification: Uncertain significance for Hereditary cancer-predisposing syndrome. Last evaluated: 2024-10-19. Review status: criteria provided, single submitter. Criteria: Ambry Variant Classification Scheme 2023. Collection method: clinical testing. Allele origin: germline.
Comment: The p.H160R variant (also known as c.479A>G), located in coding exon 4 of the SUFU gene, results from an A to G substitution at nucleotide position 479. The histidine at codon 160 is replaced by arginine, an amino acid with highly similar properties. This amino acid position is conserved. In addition, this alteration is predicted to be deleterious by in silico analysis. Based on the available evidence, the clinical significance of this variant remains unclear.

Labcorp Genetics (formerly Invitae), Labcorp
Classification: Uncertain significance for Gorlin syndrome; Medulloblastoma. Last evaluated: 2022-01-17. Review status: criteria provided, single submitter. Criteria: Invitae Variant Classification Sherloc (09022015). Collection method: clinical testing. Allele origin: germline.
Comment: This sequence change replaces histidine, which is basic and polar, with arginine, which is basic and polar, at codon 160 of the SUFU protein (p.His160Arg). In summary, the available evidence is currently insufficient to determine the role of this variant in disease. Therefore, it has been classified as a Variant of Uncertain Significance. RNA analysis performed to evaluate the impact of this missense change on mRNA splicing indicates it does not significantly alter splicing (Invitae). Algorithms developed to predict the effect of missense changes on protein structure and function are either unavailable or do not agree on the potential impact of this missense change (SIFT: "Deleterious"; PolyPhen-2: "Probably Damaging"; Align-GVGD: "Class C0"). This variant has not been reported in the literature in individuals affected with SUFU-related conditions. This variant is not present in population databases (gnomAD no frequency).